The following is an entry in ClinVar:

NM_018896.5(CACNA1G):c.5965G>T (p.Glu1989Ter)

Gene: CACNA1G (calcium voltage-gated channel subunit alpha1 G; plus strand). Cytogenetic location: 17q21.33.
Variant type: single nucleotide variant.
Coding change: c.5965G>T on transcript NM_018896.5 (MANE Select); coding-DNA position 5965, G replaced by T.
Protein change: p.Glu1989Ter; replaces glutamic acid 1989 with a stop codon.
Molecular consequence: nonsense. On other transcripts: intron variant (24).
Genome position (GRCh38, 1-based): chr17:50,621,699, G>T. VCF-style: chr17-50621699-G-T. GRCh37 (hg19) VCF-style: chr17-48699060-G-T.
Other names: c.5932G>T, p.Glu1978Ter (NM_198377.3); c.5752G>T, p.Glu1918Ter (NM_198383.3); c.5863G>T, p.Glu1955Ter (NM_198396.3); c.5803-2208G>T (NM_001256325.2); c.5892+1873G>T (NM_198380.3); c.5749-2208G>T (NM_198378.3, NM_001256334.2); c.5925+1873G>T (NM_198385.3); c.5782-2208G>T (NM_198384.3, NM_001256333.2); and 15 more; short protein forms E1918*, E1955*, E1978*, E1989*.
Identifiers: ClinVar variation 5018072 (VCV005018072.1).

ClinVar aggregate classification (germline): Uncertain significance (1 of 4 stars; one submission).

Submission:

GeneDx
Classification: Uncertain significance. Last evaluated: 2026-04-02. Review status: criteria provided, single submitter. Criteria: GeneDx Variant Classification Process June 2021. Collection method: clinical testing. Allele origin: germline.
Comment: Not observed at significant frequency in large population cohorts (gnomAD); Nonsense variant predicted to result in protein truncation or nonsense mediated decay in a gene or region of a gene for which loss of function is not a well-established mechanism of disease; Has not been previously published as pathogenic or benign to our knowledge